The following is an entry in ClinVar:

ClinVar aggregate classification (germline): Uncertain significance (1 of 4 stars; one submission).

Conditions:
Hereditary cancer-predisposing syndrome. Also called: Hereditary Cancer Syndrome; Hereditary neoplastic syndrome; Neoplastic Syndromes, Hereditary; Tumor predisposition. Identifiers: Orphanet 140162, MedGen C0027672, MeSH D009386, MONDO:0015356.

Submission:

Ambry Genetics
Classification: Uncertain significance for Hereditary cancer-predisposing syndrome. Last evaluated: 2020-03-03. Review status: criteria provided, single submitter. Criteria: Ambry Variant Classification Scheme 2023. Collection method: clinical testing. Allele origin: germline.
Comment: The p.N428D variant (also known as c.1282A>G), located in coding exon 8 of the BRIP1 gene, results from an A to G substitution at nucleotide position 1282. The asparagine at codon 428 is replaced by aspartic acid, an amino acid with highly similar properties. This amino acid position is not well conserved in available vertebrate species. In addition, this alteration is predicted to be tolerated by in silico analysis. Since supporting evidence is limited at this time, the clinical significance of this alteration remains unclear.

NM_032043.3(BRIP1):c.1282A>G (p.Asn428Asp)

Gene: BRIP1 (BRCA1 interacting DNA helicase 1; minus strand). Cytogenetic location: 17q23.2.
Variant type: single nucleotide variant.
Coding change: c.1282A>G on transcript NM_032043.3 (MANE Select); coding-DNA position 1282, A replaced by G.
Protein change: p.Asn428Asp; replaces asparagine 428 with aspartic acid.
Molecular consequence: missense variant.
Genome position (GRCh38, 1-based): chr17:61,799,158, T>C on the plus strand (A>G on the coding strand, the complement: BRIP1 is on the minus strand). VCF-style: chr17-61799158-T-C. GRCh37 (hg19) VCF-style: chr17-59876519-T-C.
Other names: short protein forms N428D.
Identifiers: ClinVar variation 1768192 (VCV001768192.2), dbSNP rs2545135716, ClinGen allele CA400483532.